The following is an entry in ClinVar:

NM_015330.6(SPECC1L):c.2708A>T (p.Asp903Val)

Genes: SPECC1L (sperm antigen with calponin homology and coiled-coil domains 1 like; plus strand), SPECC1L-ADORA2A (SPECC1L-ADORA2A readthrough (NMD candidate); plus strand). Cytogenetic location: 22q11.23.
Variant type: single nucleotide variant.
Coding change: c.2708A>T on transcript NM_015330.6 (MANE Select); coding-DNA position 2708, A replaced by T.
Protein change: p.Asp903Val; replaces aspartic acid 903 with valine.
Molecular consequence: missense variant. On other transcripts: non-coding transcript variant (1), 5 prime UTR variant (1).
Genome position (GRCh38, 1-based): chr22:24,347,141, A>T. VCF-style: chr22-24347141-A-T. GRCh37 (hg19) VCF-style: chr22-24743109-A-T.
Other names: c.2708A>T, p.Asp903Val (NM_001145468.4, NM_001254732.3); c.-95A>T (NM_001254733.2); short protein forms D903V.
Identifiers: ClinVar variation 3728739 (VCV003728739.2).
Genomic context (GRCh38, chr22:24,347,141, plus strand): 5'-TTCAGAGACATTCCATAAGTGGACCAATCTCAACATCCAAACCCCTGACAGCCCTGTCAG[A>T]TAAGAGACCAAACTATGGGGAAATCCCTGTTCAAGGTACGTGTAATATGCCATAGCATTT-3'
Protein context (NP_056145.5, residues 893-913): STSKPLTALS[Asp903Val]KRPNYGEIPV

ClinVar aggregate classification (germline): Uncertain significance (1 of 4 stars; one submission).

Submission:

Labcorp Genetics (formerly Invitae), Labcorp
Classification: Uncertain significance. Last evaluated: 2025-01-08. Review status: criteria provided, single submitter. Criteria: Invitae Variant Classification Sherloc (09022015). Collection method: clinical testing. Allele origin: germline.
Comment: This sequence change replaces aspartic acid, which is acidic and polar, with valine, which is neutral and non-polar, at codon 903 of the SPECC1L protein (p.Asp903Val). This variant is not present in population databases (gnomAD no frequency). This variant has not been reported in the literature in individuals affected with SPECC1L-related conditions. An algorithm developed to predict the effect of missense changes on protein structure and function (PolyPhen-2) suggests that this variant is likely to be tolerated. In summary, the available evidence is currently insufficient to determine the role of this variant in disease. Therefore, it has been classified as a Variant of Uncertain Significance.